The following is an entry in ClinVar:

NM_001130438.3(SPTAN1):c.5044G>A (p.Val1682Met)

Gene: SPTAN1 (spectrin alpha, non-erythrocytic 1; plus strand). Cytogenetic location: 9q34.11.
Variant type: single nucleotide variant.
Coding change: c.5044G>A on transcript NM_001130438.3 (MANE Select); coding-DNA position 5044, G replaced by A.
Protein change: p.Val1682Met; replaces valine 1682 with methionine.
Molecular consequence: missense variant.
Genome position (GRCh38, 1-based): chr9:128,613,381, G>A. VCF-style: chr9-128613381-G-A. GRCh37 (hg19) VCF-style: chr9-131375660-G-A.
Other names: c.4969G>A, p.Val1657Met (NM_001195532.2); c.5044G>A, p.Val1682Met (NM_001363759.2, NM_001375310.1, NM_001375311.2 and 1 more transcripts); c.4984G>A, p.Val1662Met (NM_001363765.2, NM_001375314.2); c.5080G>A, p.Val1694Met (NM_001375312.2, NM_001375318.1); c.5029G>A, p.Val1677Met (NM_003127.4); short protein forms V1657M, V1662M, V1677M, V1682M, V1694M.
Identifiers: ClinVar variation 1321259 (VCV001321259.1), dbSNP rs2131703648, ClinGen allele CA375072161.
Genomic context (GRCh38, chr9:128,613,381, plus strand): 5'-TTCCAGAATGCTGAGTATACACCACACAGTAGCCTTTGCTTTTTGTGTTTTCATTGCCAG[G>A]TGGAGGCCCTGCTGGCATCCGAAGATTATGGCAAAGACCTAGCTTCTGTGAACAACCTGC-3'
Protein context (NP_001123910.1, residues 1672-1692): IKDFDFWLSE[Val1682Met]EALLASEDYG

ClinVar aggregate classification (germline): Uncertain significance (1 of 4 stars; one submission).

Conditions:
Developmental and epileptic encephalopathy, 5 (DEE5). Identifiers: Orphanet 3451, MedGen C3150731, MONDO:0013277, OMIM 613477.

Submission:

3billion
Classification: Uncertain significance for Developmental and epileptic encephalopathy, 5. Last evaluated: 2021-10-25. Review status: criteria provided, single submitter. Criteria: ACMG Guidelines, 2015. Collection method: clinical testing. Allele origin: unknown. Affected: yes. Observed: 1 heterozygote.
Comment: This variant is not observed in the gnomAD v2.1.1 dataset (PM2). In silico tool predictions suggest no damaging effect of the variant on gene or gene product (REVEL:0.18; 3Cnet: 0.047, BP4). Therefore, this variant is classified as uncertain significance according to the recommendation of ACMG/AMP guideline.